The following is an entry in ClinVar:

ClinVar aggregate classification (germline): Likely pathogenic (1 of 4 stars; one submission).

Conditions:
Silver-Russell syndrome 5 (SRS5). Identifiers: MedGen C5394456, MONDO:0020795, OMIM 618908.

Submission:

Human Genetics Bochum, Ruhr University Bochum
Classification: Likely pathogenic for Silver-Russell syndrome 5. Last evaluated: 2025-01-23. Review status: criteria provided, single submitter. Criteria: ACMG Guidelines, 2015. Collection method: clinical testing. Allele origin: germline. Affected: yes.
Comment: ACMG criteria used to clasify this variant: PVS1_STR, PM2_SUP

NM_003483.6(HMGA2):c.112-1G>A

Gene: HMGA2 (high mobility group AT-hook 2; plus strand). Cytogenetic location: 12q14.3.
Variant type: single nucleotide variant.
Coding change: c.112-1G>A on transcript NM_003483.6 (MANE Select); the canonical splice acceptor site of the intron before coding-DNA position 112, G replaced by A.
Molecular consequence: splice acceptor variant.
Genome position (GRCh38, 1-based): chr12:65,828,000, G>A. VCF-style: chr12-65828000-G-A. GRCh37 (hg19) VCF-style: chr12-66221780-G-A.
Other names: c.112-1G>A (NM_001300918.1, NM_001300919.1, NM_003484.1 and 1 more transcripts).
Identifiers: ClinVar variation 4688022 (VCV004688022.1).